The following is an entry in ClinVar:

NM_006345.4(SLC30A9):c.86_87dup (p.Cys30fs)

Gene: SLC30A9 (solute carrier family 30 member 9; plus strand). Cytogenetic location: 4p13.
Variant type: Duplication.
Coding change: c.86_87dup on transcript NM_006345.4 (MANE Select); coding-DNA positions 86 to 87, 2 bases duplicated (CC; older notation c.86_87dupCC).
Protein change: p.Cys30fs; shifts the reading frame from cysteine 30.
Molecular consequence: frameshift variant.
Genome position (GRCh38, 1-based): chr4:41,990,737-41,990,738, CC duplicated. VCF-style (leftmost placement, unchanged base first): chr4-41990736-G-GCC. GRCh37 (hg19) VCF-style: chr4-41992753-G-GCC.
Other names: short protein forms C30fs.
Identifiers: ClinVar variation 1300169 (VCV001300169.3), dbSNP rs752245649, ClinGen allele CA2902121.
Genomic context (GRCh38, chr4:41,990,736, plus strand): 5'-GCGGCCCACAGATGTAGCTGGTCCTCCCTGTGCCGGCTCCGTCTGCGATGCAGGGCGGCG[G>GCC]CCTGTAATCCCAGCGACCGCCAGGGTGAGTGTCCCGCGCTGGCCGCTGGCTCCGTAGAAG-3'

ClinVar aggregate classification (germline): Pathogenic/Likely pathogenic. Review status: criteria provided, multiple submitters, no conflicts (2 of 4 stars). 3 submissions from 3 submitters: Pathogenic (1); Likely pathogenic (1). 1 of the submissions does not count toward it. Last evaluated 2025-08-13.

Conditions:
Psychomotor regression-oculomotor apraxia-movement disorder-nephropathy syndrome (BILAPES). Also called: Birk-Landau-Perez syndrome. Identifiers: Orphanet 505242, MedGen C4539828, MONDO:0044726, OMIM 617595.
Inborn genetic diseases. Identifiers: MedGen C0950123, MeSH D030342.

Allele frequency attached by ClinVar (database versions not stated): gnomAD exomes below 0.00001; ExAC 0.00001; gnomAD 0.00003; TOPMed 0.00003; ESP Exome Variant Server 0.00016.

Submissions (3):

Ambry Genetics
Classification: Pathogenic for Inborn genetic diseases. Last evaluated: 2025-08-13. Review status: criteria provided, single submitter. Criteria: Ambry Variant Classification Scheme 2023. Collection method: clinical testing. Allele origin: germline.
Comment: The c.86_87dupCC (p.C30Pfs*13) alteration, located in exon 1 (coding exon 1) of the SLC30A9 gene, consists of a duplication of CC at position 86, causing a translational frameshift with a predicted alternate stop codon after 13 amino acids. This alteration is expected to result in loss of function by premature protein truncation or nonsense-mediated mRNA decay. Based on data from gnomAD, the CCCC allele has an overall frequency of 0.002% (4/271646) total alleles studied. The highest observed frequency was 0.017% (4/23278) of African alleles. This variant has been identified in the homozygous state and/or in conjunction with other SLC30A9 variant(s) in individual(s) with features consistent with Birk-Landau-Perez syndrome; in at least one instance, the variants were identified in trans (Kleyner, 2022). Based on the available evidence, this alteration is classified as pathogenic.

Genome Medicine, Institute for Basic Research in Developmental Disabilities
Classification: Likely pathogenic for Psychomotor regression-oculomotor apraxia-movement disorder-nephropathy syndrome. Review status: criteria provided, single submitter. Criteria: ACMG Guidelines, 2015. Collection method: clinical testing. Allele origin: inherited. Inheritance: Autosomal recessive inheritance. Affected: yes.

OMIM
Classification: Pathogenic for BIRK-LANDAU-PEREZ SYNDROME. Last evaluated: 2022-05-04. Review status: no assertion criteria provided. Collection method: literature only. Allele origin: germline. Not counted in ClinVar's aggregate classification.

Literature cited by the submitters: PubMed 34716203 (cited by Ambry Genetics and OMIM); DOI 10.1101/2021.07.21.21260807 (cited by Genome Medicine, Institute for Basic Research in Developmental Disabilities).